The following is an entry in ClinVar:

NM_001042749.2(STAG2):c.1535-3T>A

Gene: STAG2 (STAG2 cohesin complex component; plus strand). Cytogenetic location: Xq25.
Variant type: single nucleotide variant.
Coding change: c.1535-3T>A on transcript NM_001042749.2; 3 bases into the intron before coding-DNA position 1535, T replaced by A.
Molecular consequence: intron variant (on NM_001042750.2).
Genome position (GRCh38, 1-based): chrX:124,061,768, T>A. VCF-style: chrX-124061768-T-A. GRCh37 (hg19) VCF-style: chrX-123195618-T-A.
Other names: c.1535-3T>A (LRG_782t1, NM_001282418.2, NM_001042750.2 and 2 more transcripts).
Identifiers: ClinVar variation 389451 (VCV000389451.35), dbSNP rs766097406, ClinGen allele CA16609122.

ClinVar aggregate classification (germline): Benign/Likely benign. Review status: criteria provided, multiple submitters, no conflicts (2 of 4 stars). 5 submissions from 5 submitters: Benign (1); Likely benign (3). 1 of the submissions does not count toward it. Last evaluated 2026-02-02.

Conditions:
STAG2-related disorder. Also called: STAG2-Related Disorders.

Allele frequency attached by ClinVar (database versions not stated): gnomAD 0.00008 and 0.00009; gnomAD exomes 0.00222.

Submissions (10):

Labcorp Genetics (formerly Invitae), Labcorp
Classification: Benign. Last evaluated: 2026-02-02. Review status: criteria provided, single submitter. Criteria: Invitae Variant Classification Sherloc (09022015). Collection method: clinical testing. Allele origin: germline.

Blueprint Genetics
Classification: Likely benign. Last evaluated: 2024-11-07. Review status: criteria provided, single submitter. Criteria: ACMG Guidelines, 2015. Collection method: clinical testing. Allele origin: germline.

CeGaT Center for Human Genetics Tuebingen
Classification: Likely benign. Last evaluated: 2024-07-01. Review status: criteria provided, single submitter. Criteria: CeGaT Center For Human Genetics Tuebingen Variant Classification Criteria Version 2. Collection method: clinical testing. Allele origin: germline. Affected: yes. Observed: 9 variant alleles.
Comment: STAG2: BS2

GeneDx
Classification: Likely benign. Last evaluated: 2016-09-20. Review status: criteria provided, single submitter. Criteria: GeneDx Variant Classification (06012015). Collection method: clinical testing. Allele origin: germline. Affected: yes.
Comment: This variant is considered likely benign or benign based on one or more of the following criteria: it is a conservative change, it occurs at a poorly conserved position in the protein, it is predicted to be benign by multiple in silico algorithms, and/or has population frequency not consistent with disease.

PreventionGenetics, part of Exact Sciences
Classification: Benign for STAG2-related condition. Last evaluated: 2019-04-04. Review status: no assertion criteria provided. Collection method: clinical testing. Allele origin: germline. Not counted in ClinVar's aggregate classification.
Comment: This variant is classified as benign based on ACMG/AMP sequence variant interpretation guidelines (Richards et al. 2015 PMID: 25741868, with internal and published modifications).

Dr. Peter K. Rogan Lab, Western University
No classification provided (evidence only). Condition: Lung cancer. Review status: no classification provided. Collection method: in vitro. Allele origin: not applicable. Functional consequence: retained intron. Not counted in ClinVar's aggregate classification.

Dr. Peter K. Rogan Lab, Western University
No classification provided (evidence only). Condition: Cervical cancer. Review status: no classification provided. Collection method: in vitro. Allele origin: not applicable. Functional consequence: retained intron. Not counted in ClinVar's aggregate classification.

Dr. Peter K. Rogan Lab, Western University
No classification provided (evidence only). Condition: Sarcoma. Review status: no classification provided. Collection method: in vitro. Allele origin: not applicable. Functional consequence: retained intron. Not counted in ClinVar's aggregate classification.

Dr. Peter K. Rogan Lab, Western University
No classification provided (evidence only). Condition: Sarcoma. Review status: no classification provided. Collection method: in vitro. Allele origin: not applicable. Functional consequence: retained intron. Not counted in ClinVar's aggregate classification.

Dr. Peter K. Rogan Lab, Western University
No classification provided (evidence only). Condition: Ovarian serous cystadenocarcinoma. Review status: no classification provided. Collection method: in vitro. Allele origin: not applicable. Functional consequence: retained intron. Not counted in ClinVar's aggregate classification.